The following is an entry in ClinVar:

NM_000186.4(CFH):c.761C>G (p.Ser254Cys)

Gene: CFH (complement factor H; plus strand). Cytogenetic location: 1q31.3.
Variant type: single nucleotide variant.
Coding change: c.761C>G on transcript NM_000186.4 (MANE Select); coding-DNA position 761, C replaced by G.
Protein change: p.Ser254Cys; replaces serine 254 with cysteine.
Molecular consequence: missense variant.
Genome position (GRCh38, 1-based): chr1:196,679,764, C>G. VCF-style: chr1-196679764-C-G. GRCh37 (hg19) VCF-style: chr1-196648894-C-G.
Other names: c.761C>G, p.Ser254Cys (NM_001014975.3); short protein forms S254C.
Identifiers: ClinVar variation 4291328 (VCV004291328.1).

ClinVar aggregate classification (germline): Uncertain significance (1 of 4 stars; one submission).

Conditions:
Atypical hemolytic-uremic syndrome. Identifiers: Orphanet 2134, MedGen C2931788, MONDO:0016244.
Basal laminar drusen. Also called: DRUSEN OF BRUCH MEMBRANE; DRUSEN, CUTICULAR; DRUSEN, EARLY ADULT-ONSET, GROUPED. Identifiers: Orphanet 75376, MedGen C0730295, MONDO:0007472, OMIM 126700.
Factor H deficiency (CFHD). Also called: COMPLEMENT FACTOR H DEFICIENCY; CFH DEFICIENCY. Identifiers: Orphanet 200421, MedGen C0398777, MONDO:0012350, OMIM 609814.
Age related macular degeneration 4. Identifiers: MedGen C1853147, MONDO:0012540, OMIM 610698.

Submission:

Genomenon, Inc
Classification: Uncertain significance for Basal laminar drusen; Age related macular degeneration 4; Atypical hemolytic-uremic syndrome; Factor H deficiency. Last evaluated: 2025-10-02. Review status: criteria provided, single submitter. Criteria: Genomenon Sequence Variant Interpretation Standards - Updated. Collection method: curation. Allele origin: germline. Affected: no.
Comment: CFH p.Ser254Cys (c.761C>G) is a missense variant that changes the amino acid at residue 254 from Serine to Cysteine. This variant has been reported in the published literature (PMID:21936007). It is absent or not present at a significant frequency in gnomAD. In silico models agree that this variant is not damaging. In conclusion, we classify CFH p.Ser254Cys (c.761C>G) as a variant of uncertain significance.

Literature cited by the submitters: PubMed 21936007.